The following is an entry in ClinVar:

ClinVar aggregate classification (germline): Uncertain significance (1 of 4 stars; one submission).

Conditions:
DYRK1A-related intellectual disability syndrome (MRD7). Also called: DYRK1A Syndrome; Intellectual developmental disorder, autosomal dominant 7. Identifiers: Orphanet 464306, MedGen C5568143, MONDO:0013578, OMIM 614104.

Submission:

Neuberg Centre For Genomic Medicine, NCGM
Classification: Uncertain significance for DYRK1A-related intellectual disability syndrome. Last evaluated: 2023-06-22. Review status: criteria provided, single submitter. Criteria: ACMG Guidelines, 2015. Collection method: clinical testing. Allele origin: germline. Inheritance: Autosomal dominant inheritance. Affected: yes.
Comment: The observed missense c.2227G>C (p.Gly743Arg) variant in DYRK1A gene has not been reported previously as a pathogenic variant nor as a benign variant, to our knowledge. The p.Gly743Arg variant is absent in gnomAD Exomes. This variant has not been submitted to the ClinVar database. Multiple lines of computational evidence (Polyphen - Probably Damaging, SIFT - Damaging and MutationTaster - Disease causing) predict a damaging effect on protein structure and function for this variant. The reference amino acid of p.Gly743Arg in DYRK1A is predicted as conserved by GERP++ and PhyloP across 100 vertebrates. The amino acid Gly at position 743 is changed to a Arg changing protein sequence and it might alter its composition and physico-chemical properties. For these reasons, this variant has been classified as a Variant of Uncertain Significance (VUS).

NM_001347721.2(DYRK1A):c.2227G>C (p.Gly743Arg)

Gene: DYRK1A (dual specificity tyrosine phosphorylation regulated kinase 1A; plus strand). Cytogenetic location: 21q22.13.
Variant type: single nucleotide variant.
Coding change: c.2227G>C on transcript NM_001347721.2 (MANE Select); coding-DNA position 2227, G replaced by C.
Protein change: p.Gly743Arg; replaces glycine 743 with arginine.
Molecular consequence: missense variant. On other transcripts: 3 prime UTR variant (2).
Genome position (GRCh38, 1-based): chr21:37,512,493, G>C. VCF-style: chr21-37512493-G-C. GRCh37 (hg19) VCF-style: chr21-38884796-G-C.
Other names: c.2227G>C, p.Gly743Arg (NM_001347722.2, NM_130436.2); c.2140G>C, p.Gly714Arg (NM_001347723.2); c.2254G>C, p.Gly752Arg (NM_001396.5); c.*630G>C (NM_101395.2); c.*539G>C (NM_130438.2); short protein forms G714R, G743R, G752R.
Identifiers: ClinVar variation 3377546 (VCV003377546.1).